The following is an entry in ClinVar:

ClinVar aggregate classification (germline): Pathogenic. Review status: criteria provided, multiple submitters, no conflicts (2 of 4 stars). 4 submissions from 4 submitters: Pathogenic (4). Last evaluated 2025-05-12.

Conditions:
Ehlers-Danlos syndrome, classic type, 1 (EDSCL1). Also called: EHLERS-DANLOS SYNDROME, GRAVIS TYPE; EHLERS-DANLOS SYNDROME, SEVERE CLASSIC TYPE; EDS I; Ehlers-Danlos Syndrome, Classic Type, COL5A1-Related; Ehlers-Danlos syndrome, type 1. Identifiers: MedGen C0268335, MONDO:0019567, OMIM 130000.

Submissions (4):

GeneDx
Classification: Pathogenic. Last evaluated: 2025-05-12. Review status: criteria provided, single submitter. Criteria: GeneDx Variant Classification Process June 2021. Collection method: clinical testing. Allele origin: germline. Affected: yes.
Comment: Identified in patients with classic Ehlers-Danlos syndrome in published literature, including one de novo occurrence with confirmed parentage (PMID: 23587214, 22696272); Nonsense variant predicted to result in protein truncation or nonsense mediated decay in a gene for which loss of function is a known mechanism of disease; This variant is associated with the following publications: (PMID: 32736638, 22696272, 23587214)

Human Genetics Bochum, Ruhr University Bochum
Classification: Pathogenic for Ehlers-Danlos syndrome, classic type, 1. Last evaluated: 2024-01-05. Review status: criteria provided, single submitter. Criteria: ACMG Guidelines, 2015. Collection method: clinical testing. Allele origin: germline. Affected: yes.
Comment: ACMG criteria used to clasify this variant: PVS1, PM6, PM2_SUP

Labcorp Genetics (formerly Invitae), Labcorp
Classification: Pathogenic for Ehlers-Danlos syndrome, classic type, 1. Last evaluated: 2021-08-11. Review status: criteria provided, single submitter. Criteria: Invitae Variant Classification Sherloc (09022015). Collection method: clinical testing. Allele origin: germline.
Comment: ClinVar contains an entry for this variant (Variation ID: 1071309). This premature translational stop signal has been observed in individual(s) with COL5A1-related conditions (PMID: 22696272, 23587214). In at least one individual the variant was observed to be de novo. This variant is not present in population databases (ExAC no frequency). For these reasons, this variant has been classified as Pathogenic. This sequence change creates a premature translational stop signal (p.Arg1257*) in the COL5A1 gene. It is expected to result in an absent or disrupted protein product. Loss-of-function variants in COL5A1 are known to be pathogenic (PMID: 23587214).

Juno Genomics, Hangzhou Juno Genomics, Inc
Classification: Pathogenic for Ehlers-Danlos syndrome, classic type, 1. Review status: criteria provided, single submitter. Criteria: ACMG Guidelines, 2015. Collection method: clinical testing. Allele origin: germline. Affected: yes.
Comment: Absent from controls (or at extremely low frequency if recessive) in Genome Aggregation Database, Exome Sequencing Project, 1000 Genomes Project, or Exome Aggregation Consortium.;Null variant in a gene where loss of function (LOF) is a known mechanism of disease.;The prevalence of the variant in affected individuals is significantly increased compared to the prevalence in controls.;Assumed de novo, but without confirmation of paternity and maternity.

Literature cited by the submitters: PubMed 22696272 (cited by Human Genetics Bochum, Ruhr University Bochum and Labcorp Genetics (formerly Invitae), Labcorp); PubMed 23587214 (cited by Human Genetics Bochum, Ruhr University Bochum and Labcorp Genetics (formerly Invitae), Labcorp).

NM_000093.5(COL5A1):c.3769C>T (p.Arg1257Ter)

Gene: COL5A1 (collagen type V alpha 1 chain; plus strand). Cytogenetic location: 9q34.3.
Variant type: single nucleotide variant.
Coding change: c.3769C>T on transcript NM_000093.5 (MANE Select); coding-DNA position 3769, C replaced by T.
Protein change: p.Arg1257Ter; replaces arginine 1257 with a stop codon.
Molecular consequence: nonsense.
Genome position (GRCh38, 1-based): chr9:134,812,629, C>T. VCF-style: chr9-134812629-C-T. GRCh37 (hg19) VCF-style: chr9-137704475-C-T.
Other names: c.3769C>T, p.Arg1257Ter (NM_001278074.1); c.3769C>T (NM_000093.3); short protein forms R1257*.
Identifiers: ClinVar variation 1071309 (VCV001071309.12), dbSNP rs748870349, ClinGen allele CA375454861.